The following is an entry in ClinVar:

ClinVar aggregate classification (germline): Uncertain significance. Review status: criteria provided, multiple submitters, no conflicts (2 of 4 stars). 4 submissions from 4 submitters: Uncertain significance (3). 1 of the submissions does not count toward it. Last evaluated 2024-12-16.

Conditions:
Primary hyperoxaluria type 3. Also called: PH III. Identifiers: Orphanet 416, Orphanet 93600, MedGen C3150878, MONDO:0013327, OMIM 613616. Disease mechanism: loss of function.
Inborn genetic diseases. Identifiers: MedGen C0950123, MeSH D030342.

Allele frequency attached by ClinVar (database versions not stated): gnomAD 0.00001; ExAC 0.00003; gnomAD exomes 0.00003 and 0.00004; TOPMed 0.00004.
gnomAD v4.1: 37 of 1,611,946 alleles (0.0023%); highest among the groups gnomAD compares: Non-Finnish European, 0.0031%; no homozygotes.

Submissions (4):

Ambry Genetics
Classification: Uncertain significance for Inborn genetic diseases. Last evaluated: 2024-12-16. Review status: criteria provided, single submitter. Criteria: Ambry Variant Classification Scheme 2023. Collection method: clinical testing. Allele origin: germline.

Fulgent Genetics
Classification: Uncertain significance for Primary hyperoxaluria type 3. Last evaluated: 2022-03-02. Review status: criteria provided, single submitter. Criteria: ACMG Guidelines, 2015. Collection method: clinical testing. Allele origin: unknown.

Labcorp Genetics (formerly Invitae), Labcorp
Classification: Uncertain significance. Last evaluated: 2021-08-27. Review status: criteria provided, single submitter. Criteria: Invitae Variant Classification Sherloc (09022015). Collection method: clinical testing. Allele origin: germline.
Comment: This sequence change replaces arginine with serine at codon 11 of the HOGA1 protein (p.Arg11Ser). The arginine residue is moderately conserved and there is a moderate physicochemical difference between arginine and serine. This variant is present in population databases (rs778696295, ExAC 0.006%). This variant has not been reported in the literature in individuals affected with HOGA1-related conditions. Algorithms developed to predict the effect of missense changes on protein structure and function are either unavailable or do not agree on the potential impact of this missense change (SIFT: "Deleterious"; PolyPhen-2: "Benign"; Align-GVGD: "Class C0"). In summary, the available evidence is currently insufficient to determine the role of this variant in disease. Therefore, it has been classified as a Variant of Uncertain Significance.

Natera, Inc.
Classification: Uncertain significance for Primary hyperoxaluria type III. Last evaluated: 2020-03-18. Review status: no assertion criteria provided. Collection method: clinical testing. Allele origin: germline. Not counted in ClinVar's aggregate classification.

NM_138413.4(HOGA1):c.33G>T (p.Arg11Ser)

Gene: HOGA1 (4-hydroxy-2-oxoglutarate aldolase 1; plus strand). Cytogenetic location: 10q24.2.
Variant type: single nucleotide variant.
Coding change: c.33G>T on transcript NM_138413.4 (MANE Select); coding-DNA position 33, G replaced by T.
Protein change: p.Arg11Ser; replaces arginine 11 with serine.
Molecular consequence: missense variant.
Genome position (GRCh38, 1-based): chr10:97,584,736, G>T. VCF-style: chr10-97584736-G-T. GRCh37 (hg19) VCF-style: chr10-99344493-G-T.
Other names: c.33G>T, p.Arg11Ser (NM_001134670.2); short protein forms R11S.
Identifiers: ClinVar variation 968283 (VCV000968283.9), dbSNP rs778696295, ClinGen allele CA5633810.